The following is an entry in ClinVar:

ClinVar aggregate classification (germline): Uncertain significance (1 of 4 stars; one submission).

Submission:

Dasa
Classification: Uncertain significance. Last evaluated: 2025-04-15. Review status: criteria provided, single submitter. Criteria: DASA Assertion Criteria. Collection method: clinical testing. Allele origin: germline.
Comment: NM_052867.4(NALCN):c.5114C>A (p.Pro1705His) is a missense variant that results in the substitution of proline with histidine. This variant is absent from population databases. The currently available literature and clinical evidence are not sufficient to establish a definitive association between this variant and the reported condition. Therefore, this variant is classified as a variant of uncertain significance.

NM_052867.4(NALCN):c.5114C>A (p.Pro1705His)

Genes: NALCN-AS1 (NALCN antisense RNA 1; plus strand), NALCN (sodium leak channel, non-selective; minus strand). Cytogenetic location: 13q32.3.
Variant type: single nucleotide variant.
Coding change: c.5114C>A on transcript NM_052867.4 (MANE Select); coding-DNA position 5114, C replaced by A.
Protein change: p.Pro1705His; replaces proline 1705 with histidine.
Molecular consequence: missense variant. On other transcripts: non-coding transcript variant (1).
Genome position (GRCh38, 1-based): chr13:101,055,398, G>T on the plus strand (C>A on the coding strand, the complement: NALCN is on the minus strand). VCF-style: chr13-101055398-G-T. GRCh37 (hg19) VCF-style: chr13-101707750-G-T.
Other names: c.5201C>A, p.Pro1734His (NM_001350748.2); c.5114C>A, p.Pro1705His (NM_001350749.2); c.5027C>A, p.Pro1676His (NM_001350750.2, NM_001350751.2); short protein forms P1676H, P1705H, P1734H.
Identifiers: ClinVar variation 4882897 (VCV004882897.2).